The following is an entry in ClinVar:

ClinVar aggregate classification (germline): Uncertain significance (1 of 4 stars; one submission).

Allele frequency attached by ClinVar (database versions not stated): ExAC 0.00002; gnomAD exomes 0.00003 and 0.00008; gnomAD 0.00004; TOPMed 0.00004; ESP Exome Variant Server 0.00008.
gnomAD v4.1: 120 of 1,600,534 alleles (0.0075%); highest among the groups gnomAD compares: African/African-American, 0.015%; no homozygotes.

Submission:

Labcorp Genetics (formerly Invitae), Labcorp
Classification: Uncertain significance. Last evaluated: 2025-12-01. Review status: criteria provided, single submitter. Criteria: Invitae Variant Classification Sherloc (09022015). Collection method: clinical testing. Allele origin: germline.
Comment: This sequence change replaces arginine, which is basic and polar, with histidine, which is basic and polar, at codon 234 of the PDE6B protein (p.Arg234His). This variant is present in population databases (rs369318359, gnomAD 0.009%). This variant has not been reported in the literature in individuals affected with PDE6B-related conditions. ClinVar contains an entry for this variant (Variation ID: 1016419). Invitae Evidence Modeling of protein sequence and biophysical properties (such as structural, functional, and spatial information, amino acid conservation, physicochemical variation, residue mobility, and thermodynamic stability) has been performed for this missense variant. However, the output from this modeling did not meet the statistical confidence thresholds required to predict the impact of this variant on PDE6B protein function. In summary, the available evidence is currently insufficient to determine the role of this variant in disease. Therefore, it has been classified as a Variant of Uncertain Significance.

NM_000283.4(PDE6B):c.701G>A (p.Arg234His)

Gene: PDE6B (phosphodiesterase 6B; plus strand). Cytogenetic location: 4p16.3.
Variant type: single nucleotide variant.
Coding change: c.701G>A on transcript NM_000283.4 (MANE Select); coding-DNA position 701, G replaced by A.
Protein change: p.Arg234His; replaces arginine 234 with histidine.
Molecular consequence: missense variant.
Genome position (GRCh38, 1-based): chr4:635,959, G>A. VCF-style: chr4-635959-G-A. GRCh37 (hg19) VCF-style: chr4-629748-G-A.
Other names: c.701G>A, p.Arg234His (NM_001145291.2); short protein forms R234H.
Identifiers: ClinVar variation 1016419 (VCV001016419.8), dbSNP rs369318359, ClinGen allele CA2794059.